The following is an entry in ClinVar:

NM_000321.3(RB1):c.1888_1889delinsGG (p.Thr630Gly)

Gene: RB1 (RB transcriptional corepressor 1; plus strand). Cytogenetic location: 13q14.2.
Variant type: Indel.
Coding change: c.1888_1889delinsGG on transcript NM_000321.3 (MANE Select); coding-DNA positions 1888 to 1889, AC replaced by GG.
Protein change: p.Thr630Gly; replaces threonine 630 with glycine.
Molecular consequence: missense variant.
Genome position (GRCh38, 1-based): chr13:48,456,277-48,456,278, AC replaced by GG. VCF-style: chr13-48456277-AC-GG. GRCh37 (hg19) VCF-style: chr13-49030413-AC-GG.
Other names: c.1888_1889delinsGG, p.Thr630Gly (NM_001407165.1); short protein forms T630G.
Identifiers: ClinVar variation 3231206 (VCV003231206.1), dbSNP rs2542364144, ClinGen allele CA2825002185.

ClinVar aggregate classification (germline): Uncertain significance (1 of 4 stars; one submission).

Conditions:
Hereditary cancer-predisposing syndrome. Also called: Neoplastic Syndromes, Hereditary; Tumor predisposition; Hereditary neoplastic syndrome; Hereditary Cancer Syndrome. Identifiers: Orphanet 140162, MedGen C0027672, MeSH D009386, MONDO:0015356.

Submission:

Ambry Genetics
Classification: Uncertain significance for Hereditary cancer-predisposing syndrome. Last evaluated: 2024-02-12. Review status: criteria provided, single submitter. Criteria: Ambry Variant Classification Scheme 2023. Collection method: clinical testing. Allele origin: germline.
Comment: The c.1888_1889delACinsGG variant (also known as p.T630G), located in coding exon 19 of the RB1 gene, results from an in-frame deletion of AC and insertion of GG at nucleotide positions 1888 to 1889. This results in the substitution of the threonine residue for a glycine residue at codon 630, an amino acid with similar properties. This amino acid position is poorly conserved in available vertebrate species. In addition, this alteration is predicted to be neutral by in silico analysis (Choi Y et al. PLoS ONE. 2012; 7(10):e46688). Based on the available evidence, the clinical significance of this alteration remains unclear.